The following is an entry in ClinVar:

ClinVar aggregate classification (germline): Pathogenic. Review status: criteria provided, multiple submitters, no conflicts (2 of 4 stars). 2 submissions from 2 submitters: Pathogenic (2). Last evaluated 2022-11-08.

Conditions:
Familial cancer of breast. Also called: hereditary breast carcinoma; BREAST CANCER, FAMILIAL; Hereditary breast cancer. Identifiers: Orphanet 227535, MedGen C0346153, MONDO:0016419, OMIM 114480. Disease mechanism: loss of function.

Allele frequency attached by ClinVar (database versions not stated): gnomAD exomes below 0.00001; ExAC 0.00001.
gnomAD v4.1: 1 of 1,612,768 alleles (0.000062%); highest among the groups gnomAD compares: East Asian, 0.0022%; no homozygotes.

Submissions (2):

Quest Diagnostics Nichols Institute San Juan Capistrano
Classification: Pathogenic. Last evaluated: 2022-11-08. Review status: criteria provided, single submitter. Criteria: Quest Diagnostics criteria. Collection method: clinical testing. Allele origin: unknown.
Comment: The BARD1 c.258T>A (p.Cys86*) nonsense variant is predicted to cause the premature termination of BARD1 protein synthesis. The frequency of this variant in the general population, 0.000004 (1/250760 chromosomes), is consistent with pathogenicity. Based on the available information, this variant is classified as pathogenic.

Department of Pathology and Laboratory Medicine, Sinai Health System
Classification: Pathogenic for Familial cancer of breast. Last evaluated: 2022-04-26. Review status: criteria provided, single submitter. Criteria: ACMG Guidelines, 2015. Collection method: clinical testing. Allele origin: germline. Affected: yes.

NM_000465.4(BARD1):c.258T>A (p.Cys86Ter)

Gene: BARD1 (BRCA1 associated RING domain 1; minus strand). Cytogenetic location: 2q35.
Variant type: single nucleotide variant.
Coding change: c.258T>A on transcript NM_000465.4 (MANE Select); coding-DNA position 258, T replaced by A.
Protein change: p.Cys86Ter; replaces cysteine 86 with a stop codon.
Molecular consequence: nonsense. On other transcripts: non-coding transcript variant (1), intron variant (2).
Genome position (GRCh38, 1-based): chr2:214,792,403, A>T on the plus strand (T>A on the coding strand, the complement: BARD1 is on the minus strand). VCF-style: chr2-214792403-A-T. GRCh37 (hg19) VCF-style: chr2-215657127-A-T.
Other names: c.201T>A, p.Cys67Ter (NM_001282543.2); c.258T>A, p.Cys86Ter (NM_001282549.2); c.158+17009T>A (NM_001282548.2); c.215+4658T>A (NM_001282545.2); short protein forms C67*, C86*.
Identifiers: ClinVar variation 2682140 (VCV002682140.2), dbSNP rs749378322, ClinGen allele CA2090458.
Genomic context (GRCh38, chr2:214,792,403, plus strand): 5'-TTGAATCATGCTGTCCAGTTGTCTATTTATCTTCAAGTCTTGTATCCAGGCCGGGGTGTA[A>T]CACACTGGACATCCAGTTCCAATGCAGTCACTTACACAATTACTTTAAAATAATTAAAAA-3'